The following is an entry in ClinVar:

ClinVar aggregate classification (germline): Uncertain significance. Review status: criteria provided, multiple submitters, no conflicts (2 of 4 stars). 3 submissions from 3 submitters: Uncertain significance (3). Last evaluated 2025-11-03.

Conditions:
Cardiovascular phenotype. Identifiers: MedGen CN230736.
Dilated cardiomyopathy 1JJ (CMD1JJ). Identifiers: Orphanet 154, MedGen C3808935, MONDO:0014095, OMIM 615235.

Allele frequency attached by ClinVar (database versions not stated): TOPMed below 0.00001; gnomAD 0.00001.
gnomAD v4.1: 13 of 1,613,996 alleles (0.00081%); highest among the groups gnomAD compares: African/African-American, 0.0013%; no homozygotes.

Submissions (3):

Ambry Genetics
Classification: Uncertain significance for Cardiovascular phenotype. Last evaluated: 2025-11-03. Review status: criteria provided, single submitter. Criteria: Ambry Variant Classification Scheme 2023. Collection method: clinical testing. Allele origin: germline.

Labcorp Genetics (formerly Invitae), Labcorp
Classification: Uncertain significance for Dilated cardiomyopathy 1JJ. Last evaluated: 2025-03-12. Review status: criteria provided, single submitter. Criteria: Invitae Variant Classification Sherloc (09022015). Collection method: clinical testing. Allele origin: germline.
Comment: This sequence change replaces arginine, which is basic and polar, with glutamine, which is neutral and polar, at codon 433 of the LAMA4 protein (p.Arg433Gln). This variant is not present in population databases (gnomAD no frequency). This variant has not been reported in the literature in individuals affected with LAMA4-related conditions. ClinVar contains an entry for this variant (Variation ID: 450595). Invitae Evidence Modeling of protein sequence and biophysical properties (such as structural, functional, and spatial information, amino acid conservation, physicochemical variation, residue mobility, and thermodynamic stability) indicates that this missense variant is not expected to disrupt LAMA4 protein function with a negative predictive value of 80%. In summary, the available evidence is currently insufficient to determine the role of this variant in disease. Therefore, it has been classified as a Variant of Uncertain Significance.

GeneDx
Classification: Uncertain significance. Last evaluated: 2020-06-26. Review status: criteria provided, single submitter. Criteria: GeneDx Variant Classification Process June 2021. Collection method: clinical testing. Allele origin: germline. Affected: yes.
Comment: Not observed in large population cohorts (Lek et al., 2016); In silico analysis supports that this missense variant does not alter protein structure/function; Has not been previously published as pathogenic or benign to our knowledge

NM_001105206.3(LAMA4):c.1319G>A (p.Arg440Gln)

Gene: LAMA4 (laminin subunit alpha 4; minus strand). Cytogenetic location: 6q21.
Variant type: single nucleotide variant.
Coding change: c.1319G>A on transcript NM_001105206.3 (MANE Select); coding-DNA position 1319, G replaced by A.
Protein change: p.Arg440Gln; replaces arginine 440 with glutamine.
Molecular consequence: missense variant.
Genome position (GRCh38, 1-based): chr6:112,175,351, C>T on the plus strand (G>A on the coding strand, the complement: LAMA4 is on the minus strand). VCF-style: chr6-112175351-C-T. GRCh37 (hg19) VCF-style: chr6-112496553-C-T.
Other names: c.1298G>A, p.Arg433Gln (NM_001105207.3, NM_002290.5); c.1298G>A (LRG_433t2); short protein forms R433Q, R440Q.
Identifiers: ClinVar variation 450595 (VCV000450595.12), dbSNP rs1052880266, ClinGen allele CA144877239.
Genomic context (GRCh38, chr6:112,175,351, plus strand): 5'-GCTATGAGAGGAATACACCTACGTTCGTAAGCCTCATCTGCCTCCTCATCCACGAGCTCC[C>T]GTTGGGTGAAAAATGGTTGACGGCTTCTAATCTCTTCAAGCATCTTCTGGGCCAACACCA-3'
Protein context (NP_001098676.2, residues 430-450): IRSRQPFFTQ[Arg440Gln]ELVDEEADEA